The following is an entry in ClinVar:

ClinVar aggregate classification (germline): Pathogenic (1 of 4 stars; one submission).

Allele frequency attached by ClinVar (database versions not stated): gnomAD exomes below 0.00001.

Submission:

Labcorp Genetics (formerly Invitae), Labcorp
Classification: Pathogenic. Last evaluated: 2020-06-13. Review status: criteria provided, single submitter. Criteria: Invitae Variant Classification Sherloc (09022015). Collection method: clinical testing. Allele origin: germline.
Comment: For these reasons, this variant has been classified as Pathogenic. Loss-of-function variants in CENPJ are known to be pathogenic (PMID: 15793586, 16900296, 20522431). This variant has not been reported in the literature in individuals with CENPJ-related conditions. This variant is not present in population databases (ExAC no frequency). This sequence change creates a premature translational stop signal (p.Gly136Valfs*2) in the CENPJ gene. It is expected to result in an absent or disrupted protein product.

Literature cited by the submitters: PubMed 15793586; PubMed 16900296; PubMed 20522431.

NM_018451.5(CPAP):c.407_411del (p.Gly136fs)

Gene: CPAP (centrosome assembly and centriole elongation protein; minus strand). Cytogenetic location: 13q12.13.
Variant type: Deletion.
Coding change: c.407_411del on transcript NM_018451.5 (MANE Select); coding-DNA positions 407 to 411, 5 bases deleted (GGGCT; older notation c.407_411delGGGCT).
Protein change: p.Gly136fs; shifts the reading frame from glycine 136.
Molecular consequence: frameshift variant. On other transcripts: non-coding transcript variant (2).
Genome position (GRCh38, 1-based): chr13:24,912,615-24,912,619, AGCCC deleted on the plus strand (GGGCT on the coding strand, the reverse complement: CPAP is on the minus strand). VCF-style (leftmost placement, unchanged base first): chr13-24912614-AAGCCC-A. GRCh37 (hg19) VCF-style: chr13-25486752-AAGCCC-A.
Other names: short protein forms G136fs.
Identifiers: ClinVar variation 1069283 (VCV001069283.7), dbSNP rs2138659699, ClinGen allele CA2499221992.